The following is an entry in ClinVar:

NM_000719.7(CACNA1C):c.4966C>A (p.Arg1656Ser)

Genes: CACNA1C (calcium voltage-gated channel subunit alpha1 C; plus strand), CACNA1C-AS1 (CACNA1C antisense RNA 1; minus strand). Cytogenetic location: 12p13.33.
Variant type: single nucleotide variant.
Coding change: c.4966C>A on transcript NM_000719.7 (MANE Select); coding-DNA position 4966, C replaced by A.
Protein change: p.Arg1656Ser; replaces arginine 1656 with serine.
Molecular consequence: missense variant. On other transcripts: non-coding transcript variant (1).
Genome position (GRCh38, 1-based): chr12:2,677,742, C>A. VCF-style: chr12-2677742-C-A. GRCh37 (hg19) VCF-style: chr12-2786908-C-A.
Other names: c.5110C>A, p.Arg1704Ser (NM_001129827.2, NM_199460.4); c.5089C>A, p.Arg1697Ser (NM_001129829.2); c.4966C>A, p.Arg1656Ser (NM_001129830.3, NM_001129843.2, NM_001167623.2 and 4 more transcripts); c.5050C>A, p.Arg1684Ser (NM_001129831.2); c.5026C>A, p.Arg1676Ser (NM_001129832.2); c.4957C>A, p.Arg1653Ser (NM_001129844.2); c.4933C>A, p.Arg1645Ser (NM_001129846.2, NM_001167625.2); c.5023C>A, p.Arg1675Ser (NM_001129833.2, NM_001129834.2, NM_001129835.2); and 3 more; short protein forms R1645S, R1653S, R1664S, R1704S, R1673S, R1662S, R1656S, R1675S.
Identifiers: ClinVar variation 1491313 (VCV001491313.6), dbSNP rs752021213, ClinGen allele CA383378200.

ClinVar aggregate classification (germline): Uncertain significance (1 of 4 stars; one submission).

Conditions:
Long QT syndrome (LQTS). Identifiers: MedGen C0023976, MeSH D008133, MONDO:0002442. Disease mechanism: loss of function. Inheritance: Various modes of inheritance.

Submission:

Labcorp Genetics (formerly Invitae), Labcorp
Classification: Uncertain significance for Long QT syndrome. Last evaluated: 2024-10-15. Review status: criteria provided, single submitter. Criteria: Invitae Variant Classification Sherloc (09022015). Collection method: clinical testing. Allele origin: germline.
Comment: This sequence change replaces arginine, which is basic and polar, with serine, which is neutral and polar, at codon 1656 of the CACNA1C protein (p.Arg1656Ser). This variant is not present in population databases (gnomAD no frequency). This variant has not been reported in the literature in individuals affected with CACNA1C-related conditions. ClinVar contains an entry for this variant (Variation ID: 1491313). Invitae Evidence Modeling of protein sequence and biophysical properties (such as structural, functional, and spatial information, amino acid conservation, physicochemical variation, residue mobility, and thermodynamic stability) indicates that this missense variant is expected to disrupt CACNA1C protein function with a positive predictive value of 95%. In summary, the available evidence is currently insufficient to determine the role of this variant in disease. Therefore, it has been classified as a Variant of Uncertain Significance.